The following is an entry in ClinVar:

NM_000038.6(APC):c.5031del (p.Ala1679fs)

Gene: APC (APC regulator of Wnt signaling pathway; plus strand). Cytogenetic location: 5q22.2.
Variant type: Deletion.
Coding change: c.5031del on transcript NM_000038.6 (MANE Select); coding-DNA position 5031, one base deleted (A; older notation c.5031delA).
Protein change: p.Ala1679fs; shifts the reading frame from alanine 1679.
Molecular consequence: frameshift variant.
Genome position (GRCh38, 1-based): chr5:112,840,625, A deleted. VCF-style (leftmost placement, unchanged base first): chr5-112840624-GA-G. GRCh37 (hg19) VCF-style: chr5-112176321-GA-G.
Other names: c.4728del, p.Ala1578fs (NM_001354903.2); c.4653del, p.Ala1553fs (NM_001354904.2); c.4551del, p.Ala1519fs (NM_001354905.2); c.4182del, p.Ala1396fs (NM_001354906.2); c.5115delA, p.Ala1707Hisfs (NM_001407446.1); c.5085delA, p.Ala1697Hisfs (NM_001407447.1, NM_001407448.1, NM_001407449.1); c.5031delA, p.Ala1679Hisfs (NM_001407450.1); c.5010delA, p.Ala1672Hisfs (NM_001407451.1); and 16 more; short protein forms A1654fs, A1661fs, A1689fs, A1519fs, A1553fs, A1578fs, A1651fs, A1396fs.
Identifiers: ClinVar variation 1744903 (VCV001744903.2), dbSNP rs2533615988, ClinGen allele CA2580072612.
Genomic context (GRCh38, chr5:112,840,624, plus strand): 5'-TAAGTGATCTAACAATCGAATCCCCTCCAAATGAGTTAGCTGCTGGAGAAGGAGTTAGAG[GA>G]GGGGCACAGTCAGGTGAATTTGAAAAACGAGATACCATTCCTACAGAAGGCAGAAGTACA-3'

ClinVar aggregate classification (germline): Pathogenic (1 of 4 stars; one submission).

Conditions:
Hereditary cancer-predisposing syndrome. Also called: Hereditary Cancer Syndrome; Neoplastic Syndromes, Hereditary; Tumor predisposition; Hereditary neoplastic syndrome. Identifiers: Orphanet 140162, MedGen C0027672, MeSH D009386, MONDO:0015356.

Submission:

Ambry Genetics
Classification: Pathogenic for Hereditary cancer-predisposing syndrome. Last evaluated: 2022-07-19. Review status: criteria provided, single submitter. Criteria: Ambry Variant Classification Scheme 2023. Collection method: clinical testing. Allele origin: germline.
Comment: The c.5031delA pathogenic mutation, located in coding exon 15 of the APC gene, results from a deletion of one nucleotide at nucleotide position 5031, causing a translational frameshift with a predicted alternate stop codon (p.A1679Hfs*30). This alteration occurs at the 3' terminus of theAPC gene, is not expected to trigger nonsense-mediated mRNA decay, and impacts the last 1165 amino acids of the protein. However, premature stop codons are typically deleterious in nature and the impacted region is critical for protein function and a significant portion of the protein is affected (Ambry internal data). This variant is considered to be rare based on population cohorts in the Genome Aggregation Database (gnomAD). Based on the supporting evidence, this alteration is interpreted as a disease-causing mutation.